The following is an entry in ClinVar:

ClinVar aggregate classification (germline): Uncertain significance (1 of 4 stars; one submission).

Conditions:
Intellectual developmental disorder, autosomal dominant 50, with behavioral abnormalities. Also called: MENTAL RETARDATION, AUTOSOMAL DOMINANT 50; Intellectual disability, autosomal dominant 50. Identifiers: MedGen C4540470, MONDO:0030916, OMIM 617787.

Submission:

3billion
Classification: Uncertain significance for Intellectual developmental disorder, autosomal dominant 50, with behavioral abnormalities. Last evaluated: 2023-10-06. Review status: criteria provided, single submitter. Criteria: ACMG Guidelines, 2015. Collection method: clinical testing. Allele origin: germline. Affected: yes.
Comment: The variant is not observed in the gnomAD v2.1.1 dataset. Predicted Consequence/Location: Canonical splice site: predicted to alter splicing and result in a loss or disruption of normal protein function. If truncated or results in inframe deletion, the protein may be shortened by less than 10%. Therefore, this variant is classified as VUS according to the recommendation of ACMG/AMP guideline.

NM_057175.5(NAA15):c.2401-1G>C

Gene: NAA15 (N-alpha-acetyltransferase 15, NatA auxiliary subunit; plus strand). Cytogenetic location: 4q31.1.
Variant type: single nucleotide variant.
Coding change: c.2401-1G>C on transcript NM_057175.5 (MANE Select); the canonical splice acceptor site of the intron before coding-DNA position 2401, G replaced by C.
Molecular consequence: splice acceptor variant.
Genome position (GRCh38, 1-based): chr4:139,387,883, G>C. VCF-style: chr4-139387883-G-C. GRCh37 (hg19) VCF-style: chr4-140309037-G-C.
Other names: c.2398-1G>C (NM_001410842.1).
Identifiers: ClinVar variation 3776160 (VCV003776160.1).